The following is an entry in ClinVar:

NM_000396.4(CTSK):c.115A>T (p.Asn39Tyr)

Gene: CTSK (cathepsin K; minus strand). Cytogenetic location: 1q21.3.
Variant type: single nucleotide variant.
Coding change: c.115A>T on transcript NM_000396.4 (MANE Select); coding-DNA position 115, A replaced by T.
Protein change: p.Asn39Tyr; replaces asparagine 39 with tyrosine.
Molecular consequence: missense variant.
Genome position (GRCh38, 1-based): chr1:150,806,691, T>A on the plus strand (A>T on the coding strand, the complement: CTSK is on the minus strand). VCF-style: chr1-150806691-T-A. GRCh37 (hg19) VCF-style: chr1-150779167-T-A.
Other names: short protein forms N39Y.
Identifiers: ClinVar variation 292588 (VCV000292588.8), dbSNP rs771768736, ClinGen allele CA1080586.

ClinVar aggregate classification (germline): Uncertain significance (1 of 4 stars; one submission).

Allele frequency attached by ClinVar (database versions not stated): gnomAD 0.00001; gnomAD exomes below 0.00001; TOPMed below 0.00001; ExAC 0.00001.
gnomAD v4.1: 5 of 1,613,870 alleles (0.00031%); highest among the groups gnomAD compares: Non-Finnish European, 0.00042%; no homozygotes.

Submission:

Labcorp Genetics (formerly Invitae), Labcorp
Classification: Uncertain significance. Last evaluated: 2023-11-11. Review status: criteria provided, single submitter. Criteria: Invitae Variant Classification Sherloc (09022015). Collection method: clinical testing. Allele origin: germline.
Comment: This sequence change replaces asparagine, which is neutral and polar, with tyrosine, which is neutral and polar, at codon 39 of the CTSK protein (p.Asn39Tyr). This variant is not present in population databases (gnomAD no frequency). This variant has not been reported in the literature in individuals affected with CTSK-related conditions. ClinVar contains an entry for this variant (Variation ID: 292588). Advanced modeling of protein sequence and biophysical properties (such as structural, functional, and spatial information, amino acid conservation, physicochemical variation, residue mobility, and thermodynamic stability) performed at Invitae indicates that this missense variant is not expected to disrupt CTSK protein function with a negative predictive value of 80%. In summary, the available evidence is currently insufficient to determine the role of this variant in disease. Therefore, it has been classified as a Variant of Uncertain Significance.